The following is an entry in ClinVar:

NM_004656.4(BAP1):c.2005C>T (p.His669Tyr)

Gene: BAP1 (BRCA1 associated deubiquitinase 1; minus strand). Cytogenetic location: 3p21.1.
Variant type: single nucleotide variant.
Coding change: c.2005C>T on transcript NM_004656.4 (MANE Select); coding-DNA position 2005, C replaced by T.
Protein change: p.His669Tyr; replaces histidine 669 with tyrosine.
Molecular consequence: missense variant.
Genome position (GRCh38, 1-based): chr3:52,402,653, G>A on the plus strand (C>T on the coding strand, the complement: BAP1 is on the minus strand). VCF-style: chr3-52402653-G-A. GRCh37 (hg19) VCF-style: chr3-52436669-G-A.
Other names: c.2005C>T (LRG_529t1); short protein forms H669Y.
Identifiers: ClinVar variation 489630 (VCV000489630.18), dbSNP rs762288547, ClinGen allele CA2436622.

ClinVar aggregate classification (germline): Conflicting classifications of pathogenicity. Review status: criteria provided, conflicting classifications (1 of 4 stars). 6 submissions from 6 submitters: Uncertain significance (5); Likely benign (1). Last evaluated 2025-10-07.

Conditions:
BAP1-related disorder. Also called: BAP1-related condition.
Hereditary cancer-predisposing syndrome. Also called: Hereditary Cancer Syndrome; Neoplastic Syndromes, Hereditary; Tumor predisposition; Hereditary neoplastic syndrome. Identifiers: Orphanet 140162, MedGen C0027672, MeSH D009386, MONDO:0015356.
BAP1-related tumor predisposition syndrome (TPDS1). Also called: Tumor susceptibility linked to germline BAP1 mutations; BAP1 tumor predisposition syndrome; COMMON Syndrome; TUMOR PREDISPOSITION SYNDROME 1. Identifiers: Orphanet 289539, MedGen C3280492, MONDO:0013692, OMIM 614327.

Allele frequency attached by ClinVar (database versions not stated): gnomAD exomes below 0.00001; ExAC 0.00001; TOPMed 0.00002.

Submissions (6):

Labcorp Genetics (formerly Invitae), Labcorp
Classification: Uncertain significance for BAP1-related tumor predisposition syndrome. Last evaluated: 2025-10-07. Review status: criteria provided, single submitter. Criteria: Invitae Variant Classification Sherloc (09022015). Collection method: clinical testing. Allele origin: germline.
Comment: This sequence change replaces histidine, which is basic and polar, with tyrosine, which is neutral and polar, at codon 669 of the BAP1 protein (p.His669Tyr). This variant is present in population databases (rs762288547, gnomAD 0.0009%). This variant has not been reported in the literature in individuals affected with BAP1-related conditions. ClinVar contains an entry for this variant (Variation ID: 489630). Invitae Evidence Modeling of protein sequence and biophysical properties (such as structural, functional, and spatial information, amino acid conservation, physicochemical variation, residue mobility, and thermodynamic stability) indicates that this missense variant is expected to disrupt BAP1 protein function with a positive predictive value of 80%. In summary, the available evidence is currently insufficient to determine the role of this variant in disease. Therefore, it has been classified as a Variant of Uncertain Significance.

Color Diagnostics, LLC DBA Color Health
Classification: Uncertain significance for Hereditary cancer-predisposing syndrome. Last evaluated: 2025-07-14. Review status: criteria provided, single submitter. Criteria: ACMG Guidelines, 2015. Collection method: clinical testing. Allele origin: germline.
Comment: This missense variant replaces histidine with tyrosine at codon 669 of the BAP1 protein. Computational prediction is inconclusive regarding the impact of this variant on protein structure and function. To our knowledge, functional studies have not been reported for this variant. This variant has not been reported in individuals affected with BAP1-related disorders in the literature. This variant has been identified in 1/251468 chromosomes in the general population by the Genome Aggregation Database (gnomAD). The available evidence is insufficient to determine the role of this variant in disease conclusively. Therefore, this variant is classified as a Variant of Uncertain Significance.

Ambry Genetics
Classification: Likely benign for Hereditary cancer-predisposing syndrome. Last evaluated: 2025-02-18. Review status: criteria provided, single submitter. Criteria: Ambry Variant Classification Scheme 2023. Collection method: clinical testing. Allele origin: germline.

GeneDx
Classification: Uncertain significance. Last evaluated: 2024-05-08. Review status: criteria provided, single submitter. Criteria: GeneDx Variant Classification Process June 2021. Collection method: clinical testing. Allele origin: germline. Affected: yes.
Comment: Not observed at significant frequency in large population cohorts (gnomAD); In silico analysis supports that this missense variant has a deleterious effect on protein structure/function; Has not been previously published as pathogenic or benign to our knowledge

Baylor Genetics
Classification: Uncertain significance for BAP1-related tumor predisposition syndrome. Last evaluated: 2023-11-03. Review status: criteria provided, single submitter. Criteria: ACMG Guidelines, 2015. Collection method: clinical testing. Allele origin: unknown.

PreventionGenetics, part of Exact Sciences
Classification: Uncertain significance for BAP1-related condition. Last evaluated: 2023-07-13. Review status: criteria provided, single submitter. Criteria: ACMG Guidelines, 2015. Collection method: clinical testing. Allele origin: germline.
Comment: The BAP1 c.2005C>T variant is predicted to result in the amino acid substitution p.His669Tyr. This variant has been reported in an individual with pancreatic adenocarcinoma (Table S2, Schwartz et al. 2019. PubMed ID: 31432501). This variant is reported in 1 of ~251,000 of alleles in gnomAD. It is interpreted as uncertain significance in ClinVar. At this time, the clinical significance of this variant is uncertain due to the absence of conclusive functional and genetic evidence.

Literature cited by the submitters: PubMed 38969833 (cited by Ambry Genetics).